The following is an entry in ClinVar:

ClinVar aggregate classification (germline): Uncertain significance. Review status: criteria provided, multiple submitters, no conflicts (2 of 4 stars). 3 submissions from 3 submitters: Uncertain significance (3). Last evaluated 2022-09-16.

Conditions:
Familial thoracic aortic aneurysm and aortic dissection (TAAD). Also called: Thoracic aortic aneurysms and dissections. Identifiers: Orphanet 91387, MedGen C4707243, MONDO:0019625.
Congenital contractural arachnodactyly (CCA). Also called: BEALS SYNDROME; Arthrogryposis, distal, type 9; Beals-Hecht syndrome. Identifiers: Orphanet 115, MedGen C0220668, MONDO:0007363, OMIM 121050.

Allele frequency attached by ClinVar (database versions not stated): gnomAD exomes below 0.00001.
gnomAD v4.1: 2 of 1,611,252 alleles (0.00012%); highest among the groups gnomAD compares: Non-Finnish European, 0.00017%; no homozygotes.

Submissions (3):

Ambry Genetics
Classification: Uncertain significance for Familial thoracic aortic aneurysm and aortic dissection. Last evaluated: 2022-09-16. Review status: criteria provided, single submitter. Criteria: Ambry Variant Classification Scheme 2023. Collection method: clinical testing. Allele origin: germline.
Comment: The p.T2344S variant (also known as c.7030A>T), located in coding exon 56 of the FBN2 gene, results from an A to T substitution at nucleotide position 7030. The threonine at codon 2344 is replaced by serine, an amino acid with similar properties. This amino acid position is not well conserved in available vertebrate species. In addition, this alteration is predicted to be tolerated by in silico analysis. Since supporting evidence is limited at this time, the clinical significance of this alteration remains unclear.

Labcorp Genetics (formerly Invitae), Labcorp
Classification: Uncertain significance for Congenital contractural arachnodactyly. Last evaluated: 2022-07-14. Review status: criteria provided, single submitter. Criteria: Invitae Variant Classification Sherloc (09022015). Collection method: clinical testing. Allele origin: germline.
Comment: In summary, the available evidence is currently insufficient to determine the role of this variant in disease. Therefore, it has been classified as a Variant of Uncertain Significance. Advanced modeling of protein sequence and biophysical properties (such as structural, functional, and spatial information, amino acid conservation, physicochemical variation, residue mobility, and thermodynamic stability) performed at Invitae indicates that this missense variant is not expected to disrupt FBN2 protein function. This variant has not been reported in the literature in individuals affected with FBN2-related conditions. This variant is not present in population databases (gnomAD no frequency). This sequence change replaces threonine, which is neutral and polar, with serine, which is neutral and polar, at codon 2344 of the FBN2 protein (p.Thr2344Ser).

Victorian Clinical Genetics Services, Murdoch Childrens Research Institute
Classification: Uncertain significance for Congenital contractural arachnodactyly. Last evaluated: 2021-05-06. Review status: criteria provided, single submitter. Criteria: ACMG Guidelines, 2015. Collection method: clinical testing. Allele origin: germline. Inheritance: Autosomal dominant inheritance.
Comment: Based on the classification scheme VCGS_Germline_v1.3.4, this variant is classified as VUS-3C. Following criteria are met: 0102 - Loss of function is a known mechanism of disease in this gene and is associated with congenital contractural arachnodactyly (MIM#121050). (I) 0107 - This gene is associated with autosomal dominant disease. (I) 0200 - Variant is predicted to result in a missense amino acid change from threonine to serine. (I) 0251 - This variant is heterozygous. (I) 0301 - Variant is absent from gnomAD (both v2 and v3). (SP) 0309 - An alternative amino acid change at the same position has been observed in gnomAD (v2) (4 heterozygotes, 0 homozygotes). (I) 0504 - Same amino acid change has been observed in placental mammals. (SB) 0600 - Variant is located in the annotated calcium binding EGF-like 40 domain (Uniprot). (I) 0705 - No comparable missense variants have previous evidence for pathogenicity. (I) 0807 - This variant has no previous evidence of pathogenicity. (I) 0905 - No published segregation evidence has been identified for this variant. (I) 1007 - No published functional evidence has been identified for this variant. (I) 1208 - Inheritance information for this variant is not currently available in this individual. (I) Legend: (SP) - Supporting pathogenic, (I) - Information, (SB) - Supporting benign

NM_001999.4(FBN2):c.7030A>T (p.Thr2344Ser)

Gene: FBN2 (fibrillin 2; minus strand). Cytogenetic location: 5q23.3.
Variant type: single nucleotide variant.
Coding change: c.7030A>T on transcript NM_001999.4 (MANE Select); coding-DNA position 7030, A replaced by T.
Protein change: p.Thr2344Ser; replaces threonine 2344 with serine.
Molecular consequence: missense variant.
Genome position (GRCh38, 1-based): chr5:128,280,300, T>A on the plus strand (A>T on the coding strand, the complement: FBN2 is on the minus strand). VCF-style: chr5-128280300-T-A. GRCh37 (hg19) VCF-style: chr5-127615992-T-A.
Other names: short protein forms T2344S.
Identifiers: ClinVar variation 1756793 (VCV001756793.8), dbSNP rs2479655445, ClinGen allele CA360757787.